The following is an entry in ClinVar:

ClinVar aggregate classification (germline): Likely pathogenic (1 of 4 stars; one submission).

Conditions:
Glycogen storage disease, type II (IOPD). Also called: Glycogen storage disease type 2; Acid maltase deficiency disease; Aglucosidase alfa; Deficiency of alpha-glucosidase; Deficiency of lysosomal alpha-glucosidase; Glucosidase acid-1,4-alpha deficiency. Identifiers: Orphanet 365, MedGen C0017921, MONDO:0009290, OMIM 232300.

Submission:

Labcorp Genetics (formerly Invitae), Labcorp
Classification: Likely pathogenic for Glycogen storage disease, type II. Last evaluated: 2023-12-19. Review status: criteria provided, single submitter. Criteria: Invitae Variant Classification Sherloc (09022015). Collection method: clinical testing. Allele origin: germline.
Comment: This sequence change replaces arginine, which is basic and polar, with serine, which is neutral and polar, at codon 89 of the GAA protein (p.Arg89Ser). This variant is not present in population databases (gnomAD no frequency). This variant has not been reported in the literature in individuals affected with GAA-related conditions. ClinVar contains an entry for this variant (Variation ID: 1989151). Advanced modeling of protein sequence and biophysical properties (such as structural, functional, and spatial information, amino acid conservation, physicochemical variation, residue mobility, and thermodynamic stability) performed at Invitae indicates that this missense variant is expected to disrupt GAA protein function with a positive predictive value of 95%. This variant disrupts the p.Arg89 amino acid residue in GAA. Other variant(s) that disrupt this residue have been determined to be pathogenic (PMID: 22644586, 25626711, 32860008, 34602496; Invitae). This suggests that this residue is clinically significant, and that variants that disrupt this residue are likely to be disease-causing. In summary, the currently available evidence indicates that the variant is pathogenic, but additional data are needed to prove that conclusively. Therefore, this variant has been classified as Likely Pathogenic.

Literature cited by the submitters: PubMed 22644586; PubMed 25626711; PubMed 32860008; PubMed 34602496.

NM_000152.5(GAA):c.265C>A (p.Arg89Ser)

Gene: GAA (alpha glucosidase; plus strand). Cytogenetic location: 17q25.3.
Variant type: single nucleotide variant.
Coding change: c.265C>A on transcript NM_000152.5 (MANE Select); coding-DNA position 265, C replaced by A.
Protein change: p.Arg89Ser; replaces arginine 89 with serine.
Molecular consequence: missense variant.
Genome position (GRCh38, 1-based): chr17:80,104,851, C>A. VCF-style: chr17-80104851-C-A. GRCh37 (hg19) VCF-style: chr17-78078650-C-A.
Other names: c.265C>A, p.Arg89Ser (NM_001079803.3, NM_001079804.3, NM_001406741.1 and 1 more transcripts); short protein forms R89S.
Identifiers: ClinVar variation 1989151 (VCV001989151.4), dbSNP rs534192892, ClinGen allele CA401360567.
Genomic context (GRCh38, chr17:80,104,851, plus strand): 5'-CAGGCACACCCCGGCCGTCCCAGAGCAGTGCCCACACAGTGCGACGTCCCCCCCAACAGC[C>A]GCTTCGATTGCGCCCCTGACAAGGCCATCACCCAGGAACAGTGCGAGGCCCGCGGCTGTT-3'
Protein context (NP_000143.2, residues 79-99): PTQCDVPPNS[Arg89Ser]FDCAPDKAIT